The following is an entry in ClinVar:

NM_001005498.4(RHBDF2):c.428del (p.Phe143fs)

Gene: RHBDF2 (rhomboid 5 homolog 2; minus strand). Cytogenetic location: 17q25.1.
Variant type: Deletion.
Coding change: c.428del on transcript NM_001005498.4 (MANE Select); coding-DNA position 428, one base deleted (T; older notation c.428delT).
Protein change: p.Phe143fs; shifts the reading frame from phenylalanine 143.
Molecular consequence: frameshift variant. On other transcripts: non-coding transcript variant (3).
Genome position (GRCh38, 1-based): chr17:76,479,122, A deleted on the plus strand (T on the coding strand, the reverse complement: RHBDF2 is on the minus strand); the first of 2 consecutive A bases (chr17:76,479,122-76,479,123); deleting either gives the same sequence. VCF-style (leftmost placement, unchanged base first): chr17-76479121-GA-G. GRCh37 (hg19) VCF-style: chr17-74475203-GA-G.
Other names: c.428del, p.Phe143fs (NM_001376228.1, NM_001376229.1, NM_001376230.1); c.515del, p.Phe172fs (NM_024599.5); short protein forms F143fs, F172fs.
Identifiers: ClinVar variation 3625555 (VCV003625555.2).

ClinVar aggregate classification (germline): Uncertain significance (1 of 4 stars; one submission).

Submission:

Labcorp Genetics (formerly Invitae), Labcorp
Classification: Uncertain significance. Last evaluated: 2025-01-31. Review status: criteria provided, single submitter. Criteria: Invitae Variant Classification Sherloc (09022015). Collection method: clinical testing. Allele origin: germline.
Comment: This sequence change creates a premature translational stop signal (p.Phe172Serfs*41) in the RHBDF2 gene. It is expected to result in an absent or disrupted protein product. However, the current clinical and genetic evidence is not sufficient to establish whether loss-of-function variants in RHBDF2 cause disease. This variant is present in population databases (rs768490016, gnomAD 0.02%). This variant has not been reported in the literature in individuals affected with RHBDF2-related conditions. In summary, the available evidence is currently insufficient to determine the role of this variant in disease. Therefore, it has been classified as a Variant of Uncertain Significance.